The following is an entry in ClinVar:

NM_001009944.3(PKD1):c.11522A>T (p.Asn3841Ile)

Genes: PKD1-AS1 (PKD1 antisense RNA 1; plus strand), PKD1 (polycystin 1, transient receptor potential channel interacting; minus strand). Cytogenetic location: 16p13.3.
Variant type: single nucleotide variant.
Coding change: c.11522A>T on transcript NM_001009944.3 (MANE Select); coding-DNA position 11522, A replaced by T.
Protein change: p.Asn3841Ile; replaces asparagine 3841 with isoleucine.
Molecular consequence: missense variant.
Genome position (GRCh38, 1-based): chr16:2,091,796, T>A on the plus strand (A>T on the coding strand, the complement: PKD1 is on the minus strand). VCF-style: chr16-2091796-T-A. GRCh37 (hg19) VCF-style: chr16-2141797-T-A.
Other names: c.11519A>T, p.Asn3840Ile (NM_000296.4); short protein forms N3840I, N3841I.
Identifiers: ClinVar variation 4887548 (VCV004887548.1).

ClinVar aggregate classification (germline): Uncertain significance (1 of 4 stars; one submission).

Submission:

Women's Health and Genetics/Laboratory Corporation of America, LabCorp
Classification: Uncertain significance. Last evaluated: 2026-06-03. Review status: criteria provided, single submitter. Criteria: LabCorp Variant Classification Summary - May 2015. Collection method: clinical testing. Allele origin: germline.
Comment: Variant summary: PKD1 c.11522A>T (p.Asn3841Ile) results in a non-conservative amino acid change in the encoded protein sequence. Algorithms developed to predict the effect of missense changes on protein structure and function are either unavailable or do not agree on the potential impact of this missense change. The variant was absent in 236428 control chromosomes. The available data on variant occurrences in the general population are insufficient to allow any conclusion about variant significance. To our knowledge, no occurrence of c.11522A>T in individuals affected with PKD1-related conditions and no experimental evidence demonstrating its impact on protein function have been reported. No submitters have cited clinical-significance assessments for this variant to ClinVar. Based on the evidence outlined above, the variant was classified as uncertain significance.